The following is an entry in ClinVar:

ClinVar aggregate classification (germline): Uncertain significance. Review status: criteria provided, multiple submitters, no conflicts (2 of 4 stars). 2 submissions from 2 submitters: Uncertain significance (2). Last evaluated 2025-03-20.

Allele frequency attached by ClinVar (database versions not stated): TOPMed below 0.00001; gnomAD 0.00001; gnomAD exomes 0.00002.

Submissions (2):

Labcorp Genetics (formerly Invitae), Labcorp
Classification: Uncertain significance. Last evaluated: 2025-03-20. Review status: criteria provided, single submitter. Criteria: Invitae Variant Classification Sherloc (09022015). Collection method: clinical testing. Allele origin: germline.
Comment: This sequence change replaces alanine, which is neutral and non-polar, with threonine, which is neutral and polar, at codon 870 of the FUK protein (p.Ala870Thr). This variant is present in population databases (no rsID available, gnomAD 0.004%). This variant has not been reported in the literature in individuals affected with FUK-related conditions. ClinVar contains an entry for this variant (Variation ID: 2164175). An algorithm developed to predict the effect of missense changes on protein structure and function (PolyPhen-2) suggests that this variant is likely to be disruptive. In summary, the available evidence is currently insufficient to determine the role of this variant in disease. Therefore, it has been classified as a Variant of Uncertain Significance.

Ambry Genetics
Classification: Uncertain significance. Last evaluated: 2021-06-23. Review status: criteria provided, single submitter. Criteria: Ambry Variant Classification Scheme 2023. Collection method: clinical testing. Allele origin: germline.

NM_145059.3(FCSK):c.2608G>A (p.Ala870Thr)

Gene: FCSK (fucose kinase; plus strand). Cytogenetic location: 16q22.1.
Variant type: single nucleotide variant.
Coding change: c.2608G>A on transcript NM_145059.3 (MANE Select); coding-DNA position 2608, G replaced by A.
Protein change: p.Ala870Thr; replaces alanine 870 with threonine.
Molecular consequence: missense variant.
Genome position (GRCh38, 1-based): chr16:70,475,734, G>A. VCF-style: chr16-70475734-G-A. GRCh37 (hg19) VCF-style: chr16-70509637-G-A.
Other names: c.2608G>A (NM_145059.2); short protein forms A870T.
Identifiers: ClinVar variation 2164175 (VCV002164175.5), dbSNP rs1411726809, ClinGen allele CA396574190.